The following is an entry in ClinVar:

ClinVar aggregate classification (germline): Pathogenic (1 of 4 stars; one submission).

Conditions:
Oculofaciocardiodental syndrome (MCOPS2). Identifiers: Orphanet 2712, MedGen C1846265, MONDO:0010261, OMIM 300166.

Submission:

Labcorp Genetics (formerly Invitae), Labcorp
Classification: Pathogenic for Oculofaciocardiodental syndrome. Last evaluated: 2025-08-24. Review status: criteria provided, single submitter. Criteria: Invitae Variant Classification Sherloc (09022015). Collection method: clinical testing. Allele origin: germline.
Comment: This sequence change creates a premature translational stop signal (p.Tyr149*) in the BCOR gene. It is expected to result in an absent or disrupted protein product. Loss-of-function variants in BCOR are known to be pathogenic (PMID: 15004558, 19367324). This variant is not present in population databases (gnomAD no frequency). This variant has not been reported in the literature in individuals affected with BCOR-related conditions. For these reasons, this variant has been classified as Pathogenic.

Literature cited by the submitters: PubMed 15004558; PubMed 19367324.

NM_001123385.2(BCOR):c.447C>G (p.Tyr149Ter)

Genes: BCOR (BCL6 corepressor; minus strand), LOC126863239 (MED14-independent group 3 enhancer GRCh37_chrX:39932994-39934193; plus strand). Cytogenetic location: Xp11.4.
Variant type: single nucleotide variant.
Coding change: c.447C>G on transcript NM_001123385.2 (MANE Select); coding-DNA position 447, C replaced by G.
Protein change: p.Tyr149Ter; replaces tyrosine 149 with a stop codon.
Molecular consequence: nonsense.
Genome position (GRCh38, 1-based): chrX:40,074,899, G>C on the plus strand (C>G on the coding strand, the complement: BCOR is on the minus strand). VCF-style: chrX-40074899-G-C. GRCh37 (hg19) VCF-style: chrX-39934152-G-C.
Other names: c.447C>G, p.Tyr149Ter (NM_001123383.2, NM_001123384.2, NM_001437510.1 and 4 more transcripts); short protein forms Y149*.
Identifiers: ClinVar variation 4725921 (VCV004725921.1).